The following is an entry in ClinVar:

NM_001077268.2(ZFYVE19):c.717+5G>A

Gene: ZFYVE19 (zinc finger FYVE-type containing 19; plus strand). Cytogenetic location: 15q15.1.
Variant type: single nucleotide variant.
Coding change: c.717+5G>A on transcript NM_001077268.2 (MANE Select); 5 bases into the intron after coding-DNA position 717, G replaced by A.
Molecular consequence: intron variant.
Genome position (GRCh38, 1-based): chr15:40,810,221, G>A. VCF-style: chr15-40810221-G-A. GRCh37 (hg19) VCF-style: chr15-41102419-G-A.
Other names: c.717+5G>A (NM_001258420.2); c.192+5G>A (NM_001258421.2); c.687+5G>A (NM_032850.5).
Identifiers: ClinVar variation 4852380 (VCV004852380.1).

ClinVar aggregate classification (germline): Uncertain significance (1 of 4 stars; one submission).

Conditions:
Cholestasis, progressive familial intrahepatic, 9 (PFIC9). Identifiers: MedGen C5676973, MONDO:0030800, OMIM 619849.

gnomAD v4.1: 2 of 1,614,162 alleles (0.00012%); highest among the groups gnomAD compares: Non-Finnish European, 0.00017%; no homozygotes.

Submission:

MVZ Medizinische Genetik Mainz
Classification: Uncertain significance for Cholestasis, progressive familial intrahepatic, 9. Last evaluated: 2026-04-13. Review status: criteria provided, single submitter. Criteria: UK Practice Guidelines For Variant Classification V4 01 2020. Collection method: clinical testing. Allele origin: germline. Inheritance: Autosomal recessive inheritance. Affected: yes. Observed: 1 variant allele.
Comment: ACMG Criteria: PM2_SUP,PM3_SUP,PP3,PP4